The following is an entry in ClinVar:

NM_001031710.3(KLHL7):c.*779A>G

Gene: KLHL7 (kelch like family member 7; plus strand). Cytogenetic location: 7p15.3.
Variant type: single nucleotide variant.
Coding change: c.*779A>G on transcript NM_001031710.3 (MANE Select); 779 bases downstream of the stop codon, A replaced by G.
Molecular consequence: 3 prime UTR variant. On other transcripts: non-coding transcript variant (1).
Genome position (GRCh38, 1-based): chr7:23,175,077, A>G. VCF-style: chr7-23175077-A-G. GRCh37 (hg19) VCF-style: chr7-23214696-A-G.
Other names: c.*779A>G (NM_018846.5).
Identifiers: ClinVar variation 359811 (VCV000359811.5), dbSNP rs706013, ClinGen allele CA4186727.

ClinVar aggregate classification (germline): Benign (1 of 4 stars; one submission).

Conditions:
Retinitis pigmentosa (RP). Identifiers: Orphanet 791, MedGen C0035334, MeSH D012174, MONDO:0019200, OMIM 268000. Inheritance: Autosomal dominant, autosomal recessive and X linked inheritance.

Allele frequency attached by ClinVar (database versions not stated): gnomAD exomes 0.06309 and 0.07667; ExAC 0.08667; gnomAD 0.13677 and 0.14045; TOPMed 0.14364; 1000 Genomes Project 0.17412.
gnomAD v4.1: 39,772 of 453,906 alleles (8.8%); highest among the groups gnomAD compares: African/African-American, 35%; 3,990 homozygotes.

Submission:

Illumina Laboratory Services, Illumina
Classification: Benign for Retinitis pigmentosa. Last evaluated: 2018-01-13. Review status: criteria provided, single submitter. Criteria: ICSL Variant Classification Criteria 13 December 2019. Collection method: clinical testing. Allele origin: germline.
Comment: This variant was observed in the ICSL laboratory as part of a predisposition screen in an ostensibly healthy population. It had not been previously curated by ICSL or reported in the Human Gene Mutation Database (HGMD: prior to June 1st, 2018), and was therefore a candidate for classification through an automated scoring system. Utilizing variant allele frequency, disease prevalence and penetrance estimates, and inheritance mode, an automated score was calculated to assess if this variant is too frequent to cause the disease. Based on the score and internal cut-off values, a variant classified as benign is not then subjected to further curation. The score for this variant resulted in a classification of benign for this disease.